The following is an entry in ClinVar:

ClinVar aggregate classification (germline): Likely benign (1 of 4 stars; one submission).

Allele frequency attached by ClinVar (database versions not stated): gnomAD 0.00147; ESP Exome Variant Server 0.00292.

Submission:

CeGaT Center for Human Genetics Tuebingen
Classification: Likely benign. Last evaluated: 2026-01-01. Review status: criteria provided, single submitter. Criteria: CeGaT Center For Human Genetics Tuebingen Variant Classification Criteria Version 2. Collection method: clinical testing. Allele origin: germline. Affected: yes. Observed: 7 variant alleles.
Comment: MUC5B: BP4, BP7

NM_002458.3(MUC5B):c.10239T>A (p.Thr3413=)

Genes: MUC5B (mucin 5B, oligomeric mucus/gel-forming; plus strand), MUC5B-AS1 (MUC5B antisense RNA 1; minus strand). Cytogenetic location: 11p15.5.
Variant type: single nucleotide variant.
Coding change: c.10239T>A on transcript NM_002458.3 (MANE Select); coding-DNA position 10239, T replaced by A.
Protein change: p.Thr3413=; no amino-acid change (threonine 3413 retained).
Molecular consequence: synonymous variant.
Genome position (GRCh38, 1-based): chr11:1,247,119, T>A. VCF-style: chr11-1247119-T-A. GRCh37 (hg19) VCF-style: chr11-1268349-T-A.
Identifiers: ClinVar variation 2641265 (VCV002641265.24), dbSNP rs369080861, ClinGen allele CA5807270.
Genomic context (GRCh38, chr11:1,247,119, plus strand): 5'-GGCCACTACGATCACAGCCACCGGCTCCACCACCAACCCCTCCTCAACTCCAGGGACAAC[T>A]CCCATCCCCCCAGTGCTGACCACCACCGCCACCACACCTGCAGCCACCAGCAGCACAGTG-3'
Protein context (NP_002449.2, residues 3403-3423): TTNPSSTPGT[Thr3413=]PIPPVLTTTA